The following is an entry in ClinVar:

NM_000268.4(NF2):c.67A>G (p.Thr23Ala)

Gene: NF2 (NF2, moesin-ezrin-radixin like (MERLIN) tumor suppressor; plus strand). Cytogenetic location: 22q12.2.
Variant type: single nucleotide variant.
Coding change: c.67A>G on transcript NM_000268.4 (MANE Select); coding-DNA position 67, A replaced by G.
Protein change: p.Thr23Ala; replaces threonine 23 with alanine.
Molecular consequence: missense variant. On other transcripts: 5 prime UTR variant (4), non-coding transcript variant (1).
Genome position (GRCh38, 1-based): chr22:29,604,065, A>G. VCF-style: chr22-29604065-A-G. GRCh37 (hg19) VCF-style: chr22-30000054-A-G.
Other names: c.-164A>G (NM_001407053.1, NM_001407056.1); c.67A>G, p.Thr23Ala (NM_001407054.1, NM_001407055.1, NM_001407066.1 and 15 more transcripts); c.-190A>G (NM_001407067.1); c.-574A>G (NM_001407065.1); short protein forms T23A.
Identifiers: ClinVar variation 2766347 (VCV002766347.3), dbSNP rs2064715937, ClinGen allele CA411146056.

ClinVar aggregate classification (germline): Uncertain significance (1 of 4 stars; one submission).

Conditions:
Neurofibromatosis, type 2 (SWNV). Also called: SCHWANNOMATOSIS, VESTIBULAR; BILATERAL ACOUSTIC NEUROFIBROMATOSIS; NF2-Related Schwannomatosis. Identifiers: Orphanet 637, MedGen C0027832, MONDO:0007039, OMIM 101000. Disease mechanism: loss of function.

Submission:

Labcorp Genetics (formerly Invitae), Labcorp
Classification: Uncertain significance for Neurofibromatosis, type 2. Last evaluated: 2023-10-06. Review status: criteria provided, single submitter. Criteria: Invitae Variant Classification Sherloc (09022015). Collection method: clinical testing. Allele origin: germline.
Comment: This sequence change replaces threonine, which is neutral and polar, with alanine, which is neutral and non-polar, at codon 23 of the NF2 protein (p.Thr23Ala). This variant is not present in population databases (gnomAD no frequency). This variant has not been reported in the literature in individuals affected with NF2-related conditions. Advanced modeling of protein sequence and biophysical properties (such as structural, functional, and spatial information, amino acid conservation, physicochemical variation, residue mobility, and thermodynamic stability) performed at Invitae indicates that this missense variant is not expected to disrupt NF2 protein function. In summary, the available evidence is currently insufficient to determine the role of this variant in disease. Therefore, it has been classified as a Variant of Uncertain Significance.